The following is an entry in ClinVar:

ClinVar aggregate classification (germline): Uncertain significance (1 of 4 stars; one submission).

gnomAD v4.1: 1 of 1,614,076 alleles (0.000062%); no homozygotes.

Submission:

Labcorp Genetics (formerly Invitae), Labcorp
Classification: Uncertain significance. Last evaluated: 2025-12-09. Review status: criteria provided, single submitter. Criteria: Invitae Variant Classification Sherloc (09022015). Collection method: clinical testing. Allele origin: germline.
Comment: This sequence change disrupts the translational stop signal of the A2ML1 mRNA. It is expected to extend the length of the A2ML1 protein by 2 additional amino acid residues. This variant is not present in population databases (gnomAD no frequency). This variant has not been reported in the literature in individuals affected with A2ML1-related conditions. In summary, the available evidence is currently insufficient to determine the role of this variant in disease. Therefore, it has been classified as a Variant of Uncertain Significance.

NM_144670.6(A2ML1):c.4363T>C (p.Ter1455Arg)

Gene: A2ML1 (alpha-2-macroglobulin like 1; plus strand). Cytogenetic location: 12p13.31.
Variant type: single nucleotide variant.
Coding change: c.4363T>C on transcript NM_144670.6 (MANE Select); coding-DNA position 4363, T replaced by C.
Protein change: p.Ter1455Arg.
Molecular consequence: stop lost.
Genome position (GRCh38, 1-based): chr12:8,875,009, T>C. VCF-style: chr12-8875009-T-C. GRCh37 (hg19) VCF-style: chr12-9027605-T-C.
Other names: c.2890T>C, p.Ter964Arg (NM_001282424.3).
Identifiers: ClinVar variation 4706230 (VCV004706230.1).
Genomic context (GRCh38, chr12:8,875,009, plus strand): 5'-TATGACTTATTTCATTTCACAGATGAACAGGCAACAATTCAGTATTCTGATCCCTGTGAA[T>C]GAGGTAAGTCCAGCGGAGAAATGGGTGGAGTTATGGGTTAGGGTGGCAGAAGTTAAGAGG-3'